The following is an entry in ClinVar:

ClinVar aggregate classification (germline): Likely benign (0 of 4 stars; one submission).

Conditions:
EP300-related disorder. Also called: EP300-related disorders; EP300-related condition.

gnomAD v4.1: 2 of 1,613,886 alleles (0.00012%); highest among the groups gnomAD compares: Non-Finnish European, 0.00017%; no homozygotes.

Submission:

PreventionGenetics, part of Exact Sciences
Classification: Likely benign for EP300-related condition. Last evaluated: 2021-06-18. Review status: no assertion criteria provided. Collection method: clinical testing. Allele origin: germline.
Comment: This variant is classified as likely benign based on ACMG/AMP sequence variant interpretation guidelines (Richards et al. 2015 PMID: 25741868, with internal and published modifications).

NM_001429.4(EP300):c.1332G>A (p.Gly444=)

Gene: EP300 (E1A binding protein p300; plus strand). Cytogenetic location: 22q13.2.
Variant type: single nucleotide variant.
Coding change: c.1332G>A on transcript NM_001429.4 (MANE Select); coding-DNA position 1332, G replaced by A.
Protein change: p.Gly444=; no amino-acid change (glycine 444 retained).
Molecular consequence: synonymous variant.
Genome position (GRCh38, 1-based): chr22:41,131,437, G>A. VCF-style: chr22-41131437-G-A. GRCh37 (hg19) VCF-style: chr22-41527441-G-A.
Other names: c.1332G>A, p.Gly444= (NM_001362843.2).
Identifiers: ClinVar variation 3357430 (VCV003357430.1).
Genomic context (GRCh38, chr22:41,131,437, plus strand): 5'-GTCTTCTCTAGCAATTTTGACTGGAGCACCCGTTGGACTTGGAAATCCTAGCTCTCTAGG[G>A]GTGGGTCAACAGTCTGCCCCCAACCTAAGCACTGTTAGTCAGATTGATCCCAGCTCCATA-3'
Protein context (NP_001420.2, residues 434-454): PVGLGNPSSL[Gly444=]VGQQSAPNLS